The following is an entry in ClinVar:

NM_000152.5(GAA):c.425G>A (p.Ser142Asn)

Gene: GAA (alpha glucosidase; plus strand). Cytogenetic location: 17q25.3.
Variant type: single nucleotide variant.
Coding change: c.425G>A on transcript NM_000152.5 (MANE Select); coding-DNA position 425, G replaced by A.
Protein change: p.Ser142Asn; replaces serine 142 with asparagine.
Molecular consequence: missense variant.
Genome position (GRCh38, 1-based): chr17:80,105,011, G>A. VCF-style: chr17-80105011-G-A. GRCh37 (hg19) VCF-style: chr17-78078810-G-A.
Other names: c.425G>A (LRG_673t1); c.425G>A, p.Ser142Asn (NM_001079803.3, NM_001079804.3); short protein forms S142N.
Identifiers: ClinVar variation 456422 (VCV000456422.11), dbSNP rs754195673, ClinGen allele CA8814870.

ClinVar aggregate classification (germline): Uncertain significance. Review status: criteria provided, multiple submitters, no conflicts (2 of 4 stars). 3 submissions from 3 submitters: Uncertain significance (2). 1 of the submissions does not count toward it. Last evaluated 2024-05-22.

Conditions:
Glycogen storage disease, type II (IOPD). Also called: Glucosidase acid-1,4-alpha deficiency; Pompe Disease; POMPE DISEASE, INFANTILE-ONSET; GLYCOGEN STORAGE DISEASE II, INFANTILE-ONSET; ACID ALPHA-GLUCOSIDASE DEFICIENCY, INFANTILE-ONSET; GAA DEFICIENCY, INFANTILE-ONSET. Identifiers: Orphanet 365, MedGen C0017921, MONDO:0009290, OMIM 232300.

Allele frequency attached by ClinVar (database versions not stated): ExAC 0.00001; gnomAD 0.00001; gnomAD exomes 0.00001 and 0.00002; TOPMed 0.00002.
gnomAD v4.1: 8 of 1,612,842 alleles (0.0005%); highest among the groups gnomAD compares: East Asian, 0.0022%; no homozygotes.

Submissions (3):

Labcorp Genetics (formerly Invitae), Labcorp
Classification: Uncertain significance for Glycogen storage disease, type II. Last evaluated: 2024-05-22. Review status: criteria provided, single submitter. Criteria: Invitae Variant Classification Sherloc (09022015). Collection method: clinical testing. Allele origin: germline.
Comment: This sequence change replaces serine, which is neutral and polar, with asparagine, which is neutral and polar, at codon 142 of the GAA protein (p.Ser142Asn). This variant is present in population databases (rs754195673, gnomAD 0.006%). This variant has not been reported in the literature in individuals affected with GAA-related conditions. ClinVar contains an entry for this variant (Variation ID: 456422). Advanced modeling of protein sequence and biophysical properties (such as structural, functional, and spatial information, amino acid conservation, physicochemical variation, residue mobility, and thermodynamic stability) performed at Invitae indicates that this missense variant is not expected to disrupt GAA protein function with a negative predictive value of 95%. In summary, the available evidence is currently insufficient to determine the role of this variant in disease. Therefore, it has been classified as a Variant of Uncertain Significance.

Fulgent Genetics
Classification: Uncertain significance for Glycogen storage disease, type II. Last evaluated: 2021-08-05. Review status: criteria provided, single submitter. Criteria: ACMG Guidelines, 2015. Collection method: clinical testing. Allele origin: unknown.

Natera, Inc.
Classification: Uncertain significance for Glycogen storage disease type II. Last evaluated: 2019-10-28. Review status: no assertion criteria provided. Collection method: clinical testing. Allele origin: germline. Not counted in ClinVar's aggregate classification.